The following is an entry in ClinVar:

ClinVar aggregate classification (germline): Uncertain significance (1 of 4 stars; one submission).

Submission:

GeneDx
Classification: Uncertain significance. Last evaluated: 2025-08-09. Review status: criteria provided, single submitter. Criteria: GeneDx Variant Classification Process June 2021. Collection method: clinical testing. Allele origin: germline. Affected: yes.
Comment: Not observed at significant frequency in large population cohorts (gnomAD); In silico analysis supports that this missense variant has a deleterious effect on protein structure/function; Has not been previously published as pathogenic or benign to our knowledge

NM_001365088.1(SLC12A6):c.2324G>A (p.Arg775His)

Gene: SLC12A6 (solute carrier family 12 member 6; minus strand). Cytogenetic location: 15q14.
Variant type: single nucleotide variant.
Coding change: c.2324G>A on transcript NM_001365088.1 (MANE Select); coding-DNA position 2324, G replaced by A.
Protein change: p.Arg775His; replaces arginine 775 with histidine.
Molecular consequence: missense variant.
Genome position (GRCh38, 1-based): chr15:34,240,773, C>T on the plus strand (G>A on the coding strand, the complement: SLC12A6 is on the minus strand). VCF-style: chr15-34240773-C-T. GRCh37 (hg19) VCF-style: chr15-34532974-C-T.
Other names: c.2147G>A, p.Arg716His (NM_001042494.2, NM_001042495.2); c.2297G>A, p.Arg766His (NM_001042496.2); c.2279G>A, p.Arg760His (NM_001042497.2); c.2171G>A, p.Arg724His (NM_005135.2); c.2324G>A, p.Arg775His (NM_133647.2); short protein forms R716H, R724H, R760H, R766H, R775H.
Identifiers: ClinVar variation 4755680 (VCV004755680.1).